The following is an entry in ClinVar:

NM_001004334.4(GPR179):c.4357G>C (p.Gly1453Arg)

Gene: GPR179 (G protein-coupled receptor 179; minus strand). Cytogenetic location: 17q12.
Variant type: single nucleotide variant.
Coding change: c.4357G>C on transcript NM_001004334.4 (MANE Select); coding-DNA position 4357, G replaced by C.
Protein change: p.Gly1453Arg; replaces glycine 1453 with arginine.
Molecular consequence: missense variant.
Genome position (GRCh38, 1-based): chr17:38,329,212, C>G on the plus strand (G>C on the coding strand, the complement: GPR179 is on the minus strand). VCF-style: chr17-38329212-C-G. GRCh37 (hg19) VCF-style: chr17-36485095-C-G.
Other names: c.4357G>C (NM_001004334.2); short protein forms G1453R.
Identifiers: ClinVar variation 1496357 (VCV001496357.4), dbSNP rs976033835, ClinGen allele CA290104231.

ClinVar aggregate classification (germline): Uncertain significance. Review status: criteria provided, multiple submitters, no conflicts (2 of 4 stars). 2 submissions from 2 submitters: Uncertain significance (2). Last evaluated 2023-11-03.

Conditions:
Inborn genetic diseases. Identifiers: MedGen C0950123, MeSH D030342.

Allele frequency attached by ClinVar (database versions not stated): gnomAD 0.00001 and 0.00002; gnomAD exomes 0.00001; TOPMed 0.00007.
gnomAD v4.1: 8 of 1,613,902 alleles (0.0005%); highest among the groups gnomAD compares: Admixed American, 0.0033%; no homozygotes.

Submissions (2):

Ambry Genetics
Classification: Uncertain significance for Inborn genetic diseases. Last evaluated: 2023-11-03. Review status: criteria provided, single submitter. Criteria: Ambry Variant Classification Scheme 2023. Collection method: clinical testing. Allele origin: germline.

Labcorp Genetics (formerly Invitae), Labcorp
Classification: Uncertain significance. Last evaluated: 2022-03-10. Review status: criteria provided, single submitter. Criteria: Invitae Variant Classification Sherloc (09022015). Collection method: clinical testing. Allele origin: germline.
Comment: This sequence change replaces glycine, which is neutral and non-polar, with arginine, which is basic and polar, at codon 1453 of the GPR179 protein (p.Gly1453Arg). This variant is present in population databases (no rsID available, gnomAD 0.003%). This variant has not been reported in the literature in individuals affected with GPR179-related conditions. Algorithms developed to predict the effect of missense changes on protein structure and function are either unavailable or do not agree on the potential impact of this missense change (SIFT: "Tolerated"; PolyPhen-2: "Probably Damaging"; Align-GVGD: "Class C0"). In summary, the available evidence is currently insufficient to determine the role of this variant in disease. Therefore, it has been classified as a Variant of Uncertain Significance.